The following is an entry in ClinVar:

ClinVar aggregate classification (germline): Uncertain significance (1 of 4 stars; one submission).

Allele frequency attached by ClinVar (database versions not stated): TOPMed 0.00001; gnomAD 0.00003; 1000 Genomes Project 30x 0.00016; 1000 Genomes Project 0.00020; ExAC 0.00023.
gnomAD v4.1: 89 of 1,585,590 alleles (0.0056%); highest among the groups gnomAD compares: South Asian, 0.091%; 1 homozygote.

Submission:

Labcorp Genetics (formerly Invitae), Labcorp
Classification: Uncertain significance. Last evaluated: 2022-07-26. Review status: criteria provided, single submitter. Criteria: Invitae Variant Classification Sherloc (09022015). Collection method: clinical testing. Allele origin: germline.
Comment: In summary, the available evidence is currently insufficient to determine the role of this variant in disease. Therefore, it has been classified as a Variant of Uncertain Significance. Experimental studies and prediction algorithms are not available or were not evaluated, and the functional significance of this variant is currently unknown. ClinVar contains an entry for this variant (Variation ID: 1350146). This variant has not been reported in the literature in individuals affected with HTT-related conditions. This variant is present in population databases (rs528205593, gnomAD 0.08%). This sequence change replaces glutamic acid, which is acidic and polar, with valine, which is neutral and non-polar, at codon 3106 of the HTT protein (p.Glu3106Val).

NM_001388492.1(HTT):c.9311A>T (p.Glu3104Val)

Gene: HTT (huntingtin; plus strand). Cytogenetic location: 4p16.3.
Variant type: single nucleotide variant.
Coding change: c.9311A>T on transcript NM_001388492.1 (MANE Select); coding-DNA position 9311, A replaced by T.
Protein change: p.Glu3104Val; replaces glutamic acid 3104 with valine.
Molecular consequence: missense variant.
Genome position (GRCh38, 1-based): chr4:3,239,941, A>T. VCF-style: chr4-3239941-A-T. GRCh37 (hg19) VCF-style: chr4-3241668-A-T.
Other names: c.9317A>T, p.Glu3106Val (NM_002111.8); short protein forms E3106V, E3104V.
Identifiers: ClinVar variation 1350146 (VCV001350146.6), dbSNP rs528205593, ClinGen allele CA2825948.
Genomic context (GRCh38, chr4:3,239,941, plus strand): 5'-AGCAGGTGGACGTGAACCTTTTCTGCCTGGTCGCCACAGACTTCTACAGACACCAGATAG[A>T]GGAGGAGCTCGACCGCAGGGCCTTCCAGTCTGTGCTTGAGGTGGTTGCAGCCCCAGGAAG-3'
Protein context (NP_001375421.1, residues 3094-3114): VATDFYRHQI[Glu3104Val]EELDRRAFQS